The following is an entry in ClinVar:

NM_024408.4(NOTCH2):c.1911G>A (p.Thr637=)

Gene: NOTCH2 (notch receptor 2; minus strand). Cytogenetic location: 1p12.
Variant type: single nucleotide variant.
Coding change: c.1911G>A on transcript NM_024408.4 (MANE Select); coding-DNA position 1911, G replaced by A.
Protein change: p.Thr637=; no amino-acid change (threonine 637 retained).
Molecular consequence: synonymous variant.
Genome position (GRCh38, 1-based): chr1:119,963,578, C>T on the plus strand (G>A on the coding strand, the complement: NOTCH2 is on the minus strand). VCF-style: chr1-119963578-C-T. GRCh37 (hg19) VCF-style: chr1-120506201-C-T.
Other names: c.1911G>A (NM_024408.3); c.1911G>A, p.Thr637= (NM_001200001.2).
Identifiers: ClinVar variation 1584474 (VCV001584474.28), dbSNP rs369028361, ClinGen allele CA1040438.

ClinVar aggregate classification (germline): Likely benign. Review status: criteria provided, multiple submitters, no conflicts (2 of 4 stars). 3 submissions from 3 submitters: Likely benign (3). Last evaluated 2025-06-12.

Conditions:
Hajdu-Cheney syndrome (HJCYS). Also called: Acroosteolysis dominant type; ACROOSTEOLYSIS WITH OSTEOPOROSIS AND CHANGES IN SKULL AND MANDIBLE; SERPENTINE FIBULA-POLYCYSTIC KIDNEY SYNDROME. Identifiers: Orphanet 955, MedGen C0917715, MONDO:0007057, OMIM 102500.
NOTCH2-related disorder. Also called: NOTCH2-related condition.

Allele frequency attached by ClinVar (database versions not stated): gnomAD exomes 0.00001; ExAC 0.00002; gnomAD 0.00002; TOPMed 0.00003; ESP Exome Variant Server 0.00008.
gnomAD v4.1: 21 of 1,613,302 alleles (0.0013%); highest among the groups gnomAD compares: African/African-American, 0.0053%; no homozygotes.

Submissions (3):

Labcorp Genetics (formerly Invitae), Labcorp
Classification: Likely benign for Hajdu-Cheney syndrome. Last evaluated: 2025-06-12. Review status: criteria provided, single submitter. Criteria: Invitae Variant Classification Sherloc (09022015). Collection method: clinical testing. Allele origin: germline.

PreventionGenetics, part of Exact Sciences
Classification: Likely benign for NOTCH2-related condition. Last evaluated: 2025-05-16. Review status: criteria provided, single submitter. Criteria: ACMG Guidelines, 2015. Collection method: clinical testing. Allele origin: germline.
Comment: This variant is classified as likely benign based on ACMG/AMP sequence variant interpretation guidelines (Richards et al. 2015 PMID: 25741868, with internal and published modifications).

CeGaT Center for Human Genetics Tuebingen
Classification: Likely benign. Last evaluated: 2024-05-01. Review status: criteria provided, single submitter. Criteria: CeGaT Center For Human Genetics Tuebingen Variant Classification Criteria Version 2. Collection method: clinical testing. Allele origin: germline. Affected: yes. Observed: 1 variant allele.
Comment: NOTCH2: BP4, BP7